The following is an entry in ClinVar:

NM_001378452.1(ITPR1):c.2923A>G (p.Ile975Val)

Gene: ITPR1 (inositol 1,4,5-trisphosphate receptor type 1; plus strand). Cytogenetic location: 3p26.1.
Variant type: single nucleotide variant.
Coding change: c.2923A>G on transcript NM_001378452.1 (MANE Select); coding-DNA position 2923, A replaced by G.
Protein change: p.Ile975Val; replaces isoleucine 975 with valine.
Molecular consequence: missense variant.
Genome position (GRCh38, 1-based): chr3:4,676,757, A>G. VCF-style: chr3-4676757-A-G. GRCh37 (hg19) VCF-style: chr3-4718441-A-G.
Other names: c.2896A>G, p.Ile966Val (NM_001099952.4); c.2878A>G, p.Ile960Val (NM_001168272.2); c.2851A>G, p.Ile951Val (NM_002222.7); short protein forms I975V, I951V, I960V, I966V.
Identifiers: ClinVar variation 2413253 (VCV002413253.6), dbSNP rs767074651, ClinGen allele CA2231549.

ClinVar aggregate classification (germline): Uncertain significance (1 of 4 stars; one submission).

Allele frequency attached by ClinVar (database versions not stated): gnomAD exomes below 0.00001; ExAC 0.00001.
gnomAD v4.1: 7 of 1,613,754 alleles (0.00043%); highest among the groups gnomAD compares: Middle Eastern, 0.017%; no homozygotes.

Submission:

Labcorp Genetics (formerly Invitae), Labcorp
Classification: Uncertain significance. Last evaluated: 2023-03-21. Review status: criteria provided, single submitter. Criteria: Invitae Variant Classification Sherloc (09022015). Collection method: clinical testing. Allele origin: germline.
Comment: In summary, the available evidence is currently insufficient to determine the role of this variant in disease. Therefore, it has been classified as a Variant of Uncertain Significance. Advanced modeling of protein sequence and biophysical properties (such as structural, functional, and spatial information, amino acid conservation, physicochemical variation, residue mobility, and thermodynamic stability) performed at Invitae indicates that this missense variant is not expected to disrupt ITPR1 protein function. ClinVar contains an entry for this variant (Variation ID: 2413253). This variant has not been reported in the literature in individuals affected with ITPR1-related conditions. This variant is present in population databases (rs767074651, gnomAD 0.007%). This sequence change replaces isoleucine, which is neutral and non-polar, with valine, which is neutral and non-polar, at codon 951 of the ITPR1 protein (p.Ile951Val).